The following is an entry in ClinVar:

ClinVar aggregate classification (germline): Uncertain significance (1 of 4 stars; one submission).

Conditions:
X-linked severe combined immunodeficiency (SCIDX1). Also called: X-Linked Combined Immunodeficiency Diseases; IMMUNODEFICIENCY 4; SCID, X-LINKED; SEVERE COMBINED IMMUNODEFICIENCY, X-LINKED, T CELL-NEGATIVE, B CELL-POSITIVE, NK CELL-NEGATIVE; T-B+ severe combined immunodeficiency due to gamma chain deficiency. Identifiers: Orphanet 276, MedGen C6022468, MONDO:0010315, OMIM 300400. Disease mechanism: loss of function.

Submission:

Labcorp Genetics (formerly Invitae), Labcorp
Classification: Uncertain significance for X-linked severe combined immunodeficiency. Last evaluated: 2022-08-07. Review status: criteria provided, single submitter. Criteria: Invitae Variant Classification Sherloc (09022015). Collection method: clinical testing. Allele origin: germline.
Comment: In summary, the available evidence is currently insufficient to determine the role of this variant in disease. Therefore, it has been classified as a Variant of Uncertain Significance. Algorithms developed to predict the effect of missense changes on protein structure and function are either unavailable or do not agree on the potential impact of this missense change (SIFT: "Deleterious"; PolyPhen-2: "Probably Damaging"; Align-GVGD: "Class C0"). This variant has not been reported in the literature in individuals affected with IL2RG-related conditions. This variant is not present in population databases (gnomAD no frequency). This sequence change replaces tryptophan, which is neutral and slightly polar, with cysteine, which is neutral and slightly polar, at codon 90 of the IL2RG protein (p.Trp90Cys).

NM_000206.3(IL2RG):c.270G>C (p.Trp90Cys)

Gene: IL2RG (interleukin 2 receptor subunit gamma; minus strand). Cytogenetic location: Xq13.1.
Variant type: single nucleotide variant.
Coding change: c.270G>C on transcript NM_000206.3 (MANE Select); coding-DNA position 270, G replaced by C.
Protein change: p.Trp90Cys; replaces tryptophan 90 with cysteine.
Molecular consequence: missense variant.
Genome position (GRCh38, 1-based): chrX:71,110,688, C>G on the plus strand (G>C on the coding strand, the complement: IL2RG is on the minus strand). VCF-style: chrX-71110688-C-G. GRCh37 (hg19) VCF-style: chrX-70330538-C-G.
Other names: short protein forms W90C.
Identifiers: ClinVar variation 2189489 (VCV002189489.4), dbSNP rs1569480047, ClinGen allele CA413496943.